The following is an entry in ClinVar:

NM_000465.4(BARD1):c.2023T>C (p.Cys675Arg)

Gene: BARD1 (BRCA1 associated RING domain 1; minus strand). Cytogenetic location: 2q35.
Variant type: single nucleotide variant.
Coding change: c.2023T>C on transcript NM_000465.4 (MANE Select); coding-DNA position 2023, T replaced by C.
Protein change: p.Cys675Arg; replaces cysteine 675 with arginine.
Molecular consequence: missense variant. On other transcripts: non-coding transcript variant (3).
Genome position (GRCh38, 1-based): chr2:214,728,987, A>G on the plus strand (T>C on the coding strand, the complement: BARD1 is on the minus strand). VCF-style: chr2-214728987-A-G. GRCh37 (hg19) VCF-style: chr2-215593711-A-G.
Other names: c.1966T>C, p.Cys656Arg (NM_001282543.2); c.670T>C, p.Cys224Arg (NM_001282545.2); c.613T>C, p.Cys205Arg (NM_001282548.2); c.484T>C, p.Cys162Arg (NM_001282549.2); short protein forms C162R, C205R, C224R, C656R, C675R.
Identifiers: ClinVar variation 1784615 (VCV001784615.5), dbSNP rs1692229124, ClinGen allele CA350450786.

ClinVar aggregate classification (germline): Uncertain significance. Review status: criteria provided, multiple submitters, no conflicts (2 of 4 stars). 2 submissions from 2 submitters: Uncertain significance (2). Last evaluated 2025-10-16.

Conditions:
Hereditary cancer-predisposing syndrome. Also called: Neoplastic Syndromes, Hereditary; Tumor predisposition; Hereditary Cancer Syndrome; Hereditary neoplastic syndrome. Identifiers: Orphanet 140162, MedGen C0027672, MeSH D009386, MONDO:0015356.

Allele frequency attached by ClinVar (database versions not stated): TOPMed 0.00001.

Submissions (2):

Ambry Genetics
Classification: Uncertain significance for Hereditary cancer-predisposing syndrome. Last evaluated: 2025-10-16. Review status: criteria provided, single submitter. Criteria: Ambry Variant Classification Scheme 2023. Collection method: clinical testing. Allele origin: germline.
Comment: The p.C675R variant (also known as c.2023T>C), located in coding exon 11 of the BARD1 gene, results from a T to C substitution at nucleotide position 2023. The cysteine at codon 675 is replaced by arginine, an amino acid with highly dissimilar properties. This amino acid position is highly conserved in available vertebrate species. In addition, the in silico prediction for this alteration is inconclusive. Since supporting evidence is limited at this time, the clinical significance of this alteration remains unclear.

Color Diagnostics, LLC DBA Color Health
Classification: Uncertain significance for Hereditary cancer-predisposing syndrome. Last evaluated: 2023-08-15. Review status: criteria provided, single submitter. Criteria: ACMG Guidelines, 2015. Collection method: clinical testing. Allele origin: germline.
Comment: This missense variant replaces cysteine with arginine at codon 675 of the BARD1 protein. Computational prediction is inconclusive regarding the impact of this variant on protein structure and function (internally defined REVEL score threshold 0.5 < inconclusive < 0.7, PMID: 27666373). To our knowledge, functional studies have not been reported for this variant. This variant has not been reported in individuals affected with BARD1-related disorders in the literature. This variant has not been identified in the general population by the Genome Aggregation Database (gnomAD). The available evidence is insufficient to determine the role of this variant in disease conclusively. Therefore, this variant is classified as a Variant of Uncertain Significance.